The following is an entry in ClinVar:

NM_172201.2(KCNE2):c.14C>T (p.Ser5Phe)

Genes: KCNE2 (potassium voltage-gated channel subfamily E regulatory subunit 2; plus strand), LOC105372791 (uncharacterized LOC105372791; minus strand). Cytogenetic location: 21q22.11.
Variant type: single nucleotide variant.
Coding change: c.14C>T on transcript NM_172201.2 (MANE Select); coding-DNA position 14, C replaced by T.
Protein change: p.Ser5Phe; replaces serine 5 with phenylalanine.
Molecular consequence: missense variant.
Genome position (GRCh38, 1-based): chr21:34,370,492, C>T. VCF-style: chr21-34370492-C-T. GRCh37 (hg19) VCF-style: chr21-35742791-C-T.
Other names: short protein forms S5F.
Identifiers: ClinVar variation 1304831 (VCV001304831.2), dbSNP rs2123423461, ClinGen allele CA410196094.

ClinVar aggregate classification (germline): Uncertain significance (1 of 4 stars; one submission).

Allele frequency attached by ClinVar (database versions not stated): gnomAD exomes below 0.00001.
gnomAD v4.1: 2 of 1,614,172 alleles (0.00012%); highest among the groups gnomAD compares: Non-Finnish European, 0.00017%; no homozygotes.

Submission:

GeneDx
Classification: Uncertain significance. Last evaluated: 2019-07-25. Review status: criteria provided, single submitter. Criteria: GeneDx Variant Classification Process June 2021. Collection method: clinical testing. Allele origin: germline. Affected: yes.
Comment: Has not been previously published as pathogenic or benign to our knowledge; Not observed in large population cohorts (Lek et al., 2016); In silico analysis, which includes protein predictors and evolutionary conservation, supports a deleterious effect